The following is an entry in ClinVar:

ClinVar aggregate classification (germline): Uncertain significance. Review status: criteria provided, multiple submitters, no conflicts (2 of 4 stars). 2 submissions from 2 submitters: Uncertain significance (2). Last evaluated 2025-10-14.

Conditions:
Inborn genetic diseases. Identifiers: MedGen C0950123, MeSH D030342.

Allele frequency attached by ClinVar (database versions not stated): gnomAD 0.00006 and 0.00005; gnomAD exomes 0.00003 and 0.00004; TOPMed 0.00003; ExAC 0.00002.
gnomAD v4.1: 73 of 1,614,030 alleles (0.0045%); highest among the groups gnomAD compares: Admixed American, 0.0033%; no homozygotes.

Submissions (2):

Labcorp Genetics (formerly Invitae), Labcorp
Classification: Uncertain significance. Last evaluated: 2025-10-14. Review status: criteria provided, single submitter. Criteria: Invitae Variant Classification Sherloc (09022015). Collection method: clinical testing. Allele origin: germline.
Comment: This sequence change replaces alanine, which is neutral and non-polar, with threonine, which is neutral and polar, at codon 1745 of the MYH3 protein (p.Ala1745Thr). This variant is present in population databases (rs754751938, gnomAD 0.05%). This variant has not been reported in the literature in individuals affected with MYH3-related conditions. ClinVar contains an entry for this variant (Variation ID: 1410296). Invitae Evidence Modeling of protein sequence and biophysical properties (such as structural, functional, and spatial information, amino acid conservation, physicochemical variation, residue mobility, and thermodynamic stability) indicates that this missense variant is not expected to disrupt MYH3 protein function with a negative predictive value of 95%. In summary, the available evidence is currently insufficient to determine the role of this variant in disease. Therefore, it has been classified as a Variant of Uncertain Significance.

Ambry Genetics
Classification: Uncertain significance for Inborn genetic diseases. Last evaluated: 2025-07-14. Review status: criteria provided, single submitter. Criteria: Ambry Variant Classification Scheme 2023. Collection method: clinical testing. Allele origin: germline.

NM_002470.4(MYH3):c.5233G>A (p.Ala1745Thr)

Gene: MYH3 (myosin heavy chain 3; minus strand). Cytogenetic location: 17p13.1.
Variant type: single nucleotide variant.
Coding change: c.5233G>A on transcript NM_002470.4 (MANE Select); coding-DNA position 5233, G replaced by A.
Protein change: p.Ala1745Thr; replaces alanine 1745 with threonine.
Molecular consequence: missense variant.
Genome position (GRCh38, 1-based): chr17:10,631,664, C>T on the plus strand (G>A on the coding strand, the complement: MYH3 is on the minus strand). VCF-style: chr17-10631664-C-T. GRCh37 (hg19) VCF-style: chr17-10534981-C-T.
Other names: c.5233G>A (NM_002470.3); short protein forms A1745T.
Identifiers: ClinVar variation 1410296 (VCV001410296.8), dbSNP rs754751938, ClinGen allele CA8392008.
Genomic context (GRCh38, chr17:10,631,664, plus strand): 5'-GCCTTACGTCCGTGATGGCCTTCTTGGCCTTCTCCTCAGCGTTCCTTGCATCCCTGCTGG[C>T]ATCTTCTACCTCACTCTGGAGCTGCATGAGGTCTGTCTCCAGCTTCTTCTTGGTGTGGAT-3'
Protein context (NP_002461.2, residues 1735-1755): LMQLQSEVED[Ala1745Thr]SRDARNAEEK